The following is an entry in ClinVar:

NM_001754.5(RUNX1):c.422_423insATACCTTCGGACAAGGGGAATCGGAATAAAAG (p.Ala142fs)

Genes: RUNX1-AS1 (RUNX1 antisense RNA 1; plus strand), RUNX1 (RUNX family transcription factor 1; minus strand). Cytogenetic location: 21q22.12.
Variant type: Insertion.
Coding change: c.422_423insATACCTTCGGACAAGGGGAATCGGAATAAAAG on transcript NM_001754.5 (MANE Select); coding-DNA positions 422 to 423, ATACCTTCGGACAAGGGGAATCGGAATAAAAG inserted.
Protein change: p.Ala142fs; shifts the reading frame from alanine 142.
Molecular consequence: frameshift variant.
Genome position: GRCh38: chr21:34,880,642-34,880,643. GRCh37 (hg19): chr21:36,252,939-36,252,940.
Other names: NM_001754.5(RUNX1):c.422_423insATACCTTCGGACAAGGGGAATCGGAATAAAAG; p.Ala142fs; c.341_342insATACCTTCGGACAAGGGGAATCGGAATAAAAG, p.Ala115fs (NM_001001890.3, NM_001122607.2); short protein forms A142fs, A115fs.
Identifiers: ClinVar variation 2029556 (VCV002029556.5), dbSNP rs2517439168, ClinGen allele CA2580098645.

ClinVar aggregate classification (germline): Pathogenic. Review status: reviewed by expert panel (3 of 4 stars). 2 submissions from 2 submitters: Pathogenic (1). 1 of the submissions does not count toward it. Last evaluated 2024-08-28.

Conditions:
Hereditary thrombocytopenia and hematological cancer predisposition syndrome associated with RUNX1. Also called: Familial Platelet Disorder with Propensity to Acute Myelogenous Leukemia; Familial thrombocytopenia with propensity to acute myelogenous leukemia; PLATELET DISORDER, ASPIRIN-LIKE; RUNX1 Familial Platelet Disorder with Associated Myeloid Malignancies. Identifiers: Orphanet 71290, MedGen C1832388, MeSH C563324, MONDO:0100083, OMIM 601399.
Hereditary thrombocytopenia and hematologic cancer predisposition syndrome. Identifiers: Orphanet 71290, MedGen CN281654, MONDO:0011071.

Submissions (2):

ClinGen Myeloid Malignancy Variant Curation Expert Panel
Classification: Pathogenic for Hereditary thrombocytopenia and hematologic cancer predisposition syndrome. Last evaluated: 2024-08-28. Review status: reviewed by expert panel. Criteria: ClinGen MyeloMalig ACMG Specifications v2. Collection method: curation. Allele origin: germline. Inheritance: Autosomal dominant inheritance.
Comment: NM_001754.5(RUNX1):c.422_423insATACCTTCGGACAAGGGGAATCGGAATAAAAG (p.Ala142TyrfsTer14) is a frameshift variant which is predicted to undergo nonsense-mediated decay in a gene in which loss-of-function is an established mechanism (PVS1). This variant is completely absent from all population databases with at least 20x coverage for RUNX1 (PM2_supporting). It has been reported in one proband meeting at least one of the RUNX1-phenotypic criteria (PS4_supporting; PMID: 31709191). In summary, this variant meets criteria to be classified as pathogenic. ACMG/AMP criteria applied, as specified by the Myeloid Malignancy Variant Curation Expert Panel for RUNX1: PVS1, PM2_supporting, PS4_supporting.

Labcorp Genetics (formerly Invitae), Labcorp
Classification: Pathogenic for Hereditary thrombocytopenia and hematological cancer predisposition syndrome associated with RUNX1. Last evaluated: 2022-11-01. Review status: criteria provided, single submitter. Criteria: Invitae Variant Classification Sherloc (09022015). Collection method: clinical testing. Allele origin: germline. Not counted in ClinVar's aggregate classification.
Comment: For these reasons, this variant has been classified as Pathogenic. This variant has not been reported in the literature in individuals affected with RUNX1-related conditions. This variant is not present in population databases (gnomAD no frequency). This sequence change creates a premature translational stop signal (p.Ala142Tyrfs*14) in the RUNX1 gene. It is expected to result in an absent or disrupted protein product. Loss-of-function variants in RUNX1 are known to be pathogenic (PMID: 18723428, 24100448).

Literature cited by the submitters: PubMed 18723428 (cited by Labcorp Genetics (formerly Invitae), Labcorp); PubMed 24100448 (cited by Labcorp Genetics (formerly Invitae), Labcorp).